The following is an entry in ClinVar:

NM_001378964.1(CDON):c.1810G>T (p.Gly604Cys)

Gene: CDON (cell adhesion associated, oncogene regulated; minus strand). Cytogenetic location: 11q24.2.
Variant type: single nucleotide variant.
Coding change: c.1810G>T on transcript NM_001378964.1 (MANE Select); coding-DNA position 1810, G replaced by T.
Protein change: p.Gly604Cys; replaces glycine 604 with cysteine.
Molecular consequence: missense variant.
Genome position (GRCh38, 1-based): chr11:126,005,800, C>A on the plus strand (G>T on the coding strand, the complement: CDON is on the minus strand). VCF-style: chr11-126005800-C-A. GRCh37 (hg19) VCF-style: chr11-125875695-C-A.
Other names: c.1810G>T, p.Gly604Cys (NM_001243597.3, NM_016952.6); short protein forms G604C.
Identifiers: ClinVar variation 2446242 (VCV002446242.1), dbSNP rs2497164938, ClinGen allele CA383208487.
Genomic context (GRCh38, chr11:126,005,800, plus strand): 5'-ATAAACGACAAGACATTACCTTTCGATACTTCACAAAGTAAGCATTGATGGGCAGCCCAC[C>A]ATCCTTGCCTGCCCTCCACACCAGGTTGTACGTGTCTGGTGTGTGGGTCTGTGGGGGGCT-3'
Protein context (NP_001365893.1, residues 594-614): YNLVWRAGKD[Gly604Cys]GLPINAYFVK

ClinVar aggregate classification (germline): Uncertain significance (1 of 4 stars; one submission).

Submission:

GeneDx
Classification: Uncertain significance. Last evaluated: 2022-09-22. Review status: criteria provided, single submitter. Criteria: GeneDx Variant Classification Process June 2021. Collection method: clinical testing. Allele origin: germline. Affected: yes.
Comment: Not observed at significant frequency in large population cohorts (gnomAD); In silico analysis supports that this missense variant has a deleterious effect on protein structure/function; Has not been previously published as pathogenic or benign to our knowledge